The following is an entry in ClinVar:

ClinVar aggregate classification (germline): Uncertain significance. Review status: criteria provided, multiple submitters, no conflicts (2 of 4 stars). 2 submissions from 2 submitters: Uncertain significance (2). Last evaluated 2021-07-14.

Conditions:
Familial melanoma. Also called: Hereditary melanoma; Hereditary cutaneous melanoma. Identifiers: Orphanet 618, MedGen C1512419, MONDO:0018961.
Hereditary cancer-predisposing syndrome. Also called: Tumor predisposition; Neoplastic Syndromes, Hereditary; Hereditary neoplastic syndrome; Hereditary Cancer Syndrome. Identifiers: Orphanet 140162, MedGen C0027672, MeSH D009386, MONDO:0015356.

Allele frequency attached by ClinVar (database versions not stated): gnomAD exomes below 0.00001; TOPMed below 0.00001.
gnomAD v4.1: 1 of 1,604,348 alleles (0.000062%); highest among the groups gnomAD compares: African/African-American, 0.0013%; no homozygotes.

Submissions (2):

Labcorp Genetics (formerly Invitae), Labcorp
Classification: Uncertain significance for Familial melanoma. Last evaluated: 2021-07-14. Review status: criteria provided, single submitter. Criteria: Invitae Variant Classification Sherloc (09022015). Collection method: clinical testing. Allele origin: germline.

Ambry Genetics
Classification: Uncertain significance for Hereditary cancer-predisposing syndrome. Last evaluated: 2020-12-17. Review status: criteria provided, single submitter. Criteria: Ambry Variant Classification Scheme 2023. Collection method: clinical testing. Allele origin: germline.
Comment: The p.T8A variant (also known as c.22A>G), located in coding exon 1 of the CDKN2A (p14ARF) gene, results from an A to G substitution at nucleotide position 22. The threonine at codon 8 is replaced by alanine, an amino acid with similar properties. This amino acid position is highly conserved in available vertebrate species. In addition, the in silico prediction for this alteration is inconclusive. Since supporting evidence is limited at this time, the clinical significance of this alteration remains unclear.

NM_058195.4(CDKN2A):c.22A>G (p.Thr8Ala)

Gene: CDKN2A (cyclin dependent kinase inhibitor 2A; minus strand). Cytogenetic location: 9p21.3.
Variant type: single nucleotide variant.
Coding change: c.22A>G on transcript NM_058195.4 (MANE Plus Clinical); coding-DNA position 22, A replaced by G.
Protein change: p.Thr8Ala; replaces threonine 8 with alanine.
Molecular consequence: missense variant. On other transcripts: intron variant (1).
Genome position (GRCh38, 1-based): chr9:21,994,310, T>C on the plus strand (A>G on the coding strand, the complement: CDKN2A is on the minus strand). VCF-style: chr9-21994310-T-C. GRCh37 (hg19) VCF-style: chr9-21994309-T-C.
Other names: c.-4+511A>G (NM_001363763.2); short protein forms T8A.
Identifiers: ClinVar variation 949371 (VCV000949371.8), dbSNP rs1820536864, ClinGen allele CA373087095.